The following is an entry in ClinVar:

ClinVar aggregate classification (germline): Uncertain significance. Review status: criteria provided, multiple submitters, no conflicts (2 of 4 stars). 2 submissions from 2 submitters: Uncertain significance (2). Last evaluated 2025-02-26.

Conditions:
Inborn genetic diseases. Identifiers: MedGen C0950123, MeSH D030342.

Allele frequency attached by ClinVar (database versions not stated): gnomAD exomes below 0.00001; gnomAD 0.00001.
gnomAD v4.1: 7 of 1,613,674 alleles (0.00043%); highest among the groups gnomAD compares: Non-Finnish European, 0.00059%; no homozygotes.

Submissions (2):

Ambry Genetics
Classification: Uncertain significance for Inborn genetic diseases. Last evaluated: 2025-02-26. Review status: criteria provided, single submitter. Criteria: Ambry Variant Classification Scheme 2023. Collection method: clinical testing. Allele origin: germline.

Labcorp Genetics (formerly Invitae), Labcorp
Classification: Uncertain significance. Last evaluated: 2022-02-06. Review status: criteria provided, single submitter. Criteria: Invitae Variant Classification Sherloc (09022015). Collection method: clinical testing. Allele origin: germline.
Comment: In summary, the available evidence is currently insufficient to determine the role of this variant in disease. Therefore, it has been classified as a Variant of Uncertain Significance. Algorithms developed to predict the effect of missense changes on protein structure and function are either unavailable or do not agree on the potential impact of this missense change (SIFT: "Deleterious"; PolyPhen-2: "Possibly Damaging"; Align-GVGD: "Class C0"). This variant has not been reported in the literature in individuals affected with C7-related conditions. This variant is present in population databases (no rsID available, gnomAD 0.007%). This sequence change replaces proline, which is neutral and non-polar, with leucine, which is neutral and non-polar, at codon 634 of the C7 protein (p.Pro634Leu).

NM_000587.4(C7):c.1901C>T (p.Pro634Leu)

Gene: C7 (complement C7; plus strand). Cytogenetic location: 5p13.1.
Variant type: single nucleotide variant.
Coding change: c.1901C>T on transcript NM_000587.4 (MANE Select); coding-DNA position 1901, C replaced by T.
Protein change: p.Pro634Leu; replaces proline 634 with leucine.
Molecular consequence: missense variant.
Genome position (GRCh38, 1-based): chr5:40,972,421, C>T. VCF-style: chr5-40972421-C-T. GRCh37 (hg19) VCF-style: chr5-40972523-C-T.
Other names: short protein forms P634L.
Identifiers: ClinVar variation 2093955 (VCV002093955.5), dbSNP rs1316080451, ClinGen allele CA359593020.